The following is an entry in ClinVar:

NM_006015.6(ARID1A):c.4773G>T (p.Leu1591=)

Gene: ARID1A (AT-rich interaction domain 1A; plus strand). Cytogenetic location: 1p36.11.
Variant type: single nucleotide variant.
Coding change: c.4773G>T on transcript NM_006015.6 (MANE Select); coding-DNA position 4773, G replaced by T.
Protein change: p.Leu1591=; no amino-acid change (leucine 1591 retained).
Molecular consequence: synonymous variant.
Genome position (GRCh38, 1-based): chr1:26,775,000, G>T. VCF-style: chr1-26775000-G-T. GRCh37 (hg19) VCF-style: chr1-27101491-G-T.
Other names: c.4122G>T, p.Leu1374= (NM_139135.4).
Identifiers: ClinVar variation 1254881 (VCV001254881.15), dbSNP rs779619447, ClinGen allele CA707519.
Genomic context (GRCh38, chr1:26,775,000, plus strand): 5'-CTACCAGCCCCCACCAAGCATGCAGAATCACATTCCTCAGGTATCCAGCCCTGCTCCCCT[G>T]CCCCGGCCAATGGAGAACCGCACCTCTCCTAGCAAGTCTCCATTCCTGCACTCTGGGATG-3'
Protein context (NP_006006.3, residues 1581-1601): HIPQVSSPAP[Leu1591=]PRPMENRTSP

ClinVar aggregate classification (germline): Likely benign. Review status: criteria provided, multiple submitters, no conflicts (2 of 4 stars). 2 submissions from 2 submitters: Likely benign (2). Last evaluated 2024-12-01.

Allele frequency attached by ClinVar (database versions not stated): ExAC 0.00004; gnomAD exomes 0.00004; gnomAD 0.00008 and 0.00019; TOPMed 0.00018.
gnomAD v4.1: 60 of 1,561,418 alleles (0.0038%); highest among the groups gnomAD compares: African/African-American, 0.0099%; no homozygotes.

Submissions (2):

CeGaT Center for Human Genetics Tuebingen
Classification: Likely benign. Last evaluated: 2024-12-01. Review status: criteria provided, single submitter. Criteria: CeGaT Center For Human Genetics Tuebingen Variant Classification Criteria Version 2. Collection method: clinical testing. Allele origin: germline. Affected: yes. Observed: 1 variant allele.
Comment: ARID1A: BP4, BP7

GeneDx
Classification: Likely benign. Last evaluated: 2021-02-25. Review status: criteria provided, single submitter. Criteria: GeneDx Variant Classification Process June 2021. Collection method: clinical testing. Allele origin: germline. Affected: yes.